The following is an entry in ClinVar:

ClinVar aggregate classification (germline): Pathogenic/Likely pathogenic. Review status: criteria provided, multiple submitters, no conflicts (2 of 4 stars). 11 submissions from 11 submitters: Pathogenic (5); Likely pathogenic (4). 2 of the submissions do not count toward it. Last evaluated 2025-10-14.

Conditions:
Early-infantile DEE. Also called: Ohtahara syndrome; Early infantile epileptic encephalopathy; Early infantile epileptic encephalopathy with suppression bursts. Identifiers: Orphanet 1934, MedGen C0393706, MONDO:0800491.
Developmental delay with or without epilepsy (DEVEP). Identifiers: MedGen C5882702, MONDO:0957815, OMIM 620540.
SPTAN1-related disorder. Also called: SPTAN1-related condition; SPTAN1-related disorders.
Focal epilepsy. Also called: partial epilepsy. Identifiers: MedGen C0014547, MeSH D004828, MONDO:0005384.
Developmental and epileptic encephalopathy, 5 (DEE5). Identifiers: Orphanet 3451, MedGen C3150731, MONDO:0013277, OMIM 613477.

Submissions (11):

Women's Health and Genetics/Laboratory Corporation of America, LabCorp
Classification: Pathogenic for Developmental and epileptic encephalopathy, 5. Last evaluated: 2025-10-14. Review status: criteria provided, single submitter. Criteria: LabCorp Variant Classification Summary - May 2015. Collection method: clinical testing. Allele origin: germline.
Comment: Variant summary: SPTAN1 c.6908_6916delACCAGCTGG (p.Asp2303_Leu2305del) results in an in-frame deletion that is predicted to remove three amino acids from the encoded protein. The variant was absent in 250434 control chromosomes. c.6908_6916delACCAGCTGG has been observed in individual(s) affected with SPTAN1-related conditions and have been reported as de novo occurrences (example: MarcoHernandez_2022, internal data). These data indicate that the variant is very likely to be associated with disease. The following publications have been ascertained in the context of this evaluation (PMID: 34590414). ClinVar contains an entry for this variant (Variation ID: 207380). Based on the evidence outlined above, the variant was classified as pathogenic.

Labcorp Genetics (formerly Invitae), Labcorp
Classification: Pathogenic for Early-infantile DEE. Last evaluated: 2024-10-17. Review status: criteria provided, single submitter. Criteria: Invitae Variant Classification Sherloc (09022015). Collection method: clinical testing. Allele origin: germline.
Comment: This variant, c.6908_6916del, results in the deletion of 3 amino acid(s) of the SPTAN1 protein (p.Asp2303_Leu2305del), but otherwise preserves the integrity of the reading frame. This variant is not present in population databases (gnomAD no frequency). This variant has been observed in individual(s) with clinical features of SPTAN1-related conditions (PMID: 27864847, 34590414; internal data). In at least one individual the variant was observed to be de novo. ClinVar contains an entry for this variant (Variation ID: 207380). For these reasons, this variant has been classified as Pathogenic.

Greenwood Genetic Center Diagnostic Laboratories, Greenwood Genetic Center
Classification: Pathogenic for SPTAN1-related disorder. Last evaluated: 2024-07-10. Review status: criteria provided, single submitter. Criteria: ACMG Guidelines, 2015. Collection method: clinical testing. Allele origin: germline. Affected: yes.
Comment: PS2, PS4, PM2, PM4, PM6_Strong

GeneDx
Classification: Pathogenic. Last evaluated: 2023-06-15. Review status: criteria provided, single submitter. Criteria: GeneDx Variant Classification Process June 2021. Collection method: clinical testing. Allele origin: germline. Affected: yes.
Comment: In-frame deletion of 3 amino acids in a non-repeat region; In silico analysis supports a deleterious effect on protein structure/function; Not observed in large population cohorts (gnomAD); This variant is associated with the following publications: (PMID: 27864847, 34590414)

Revvity Omics, Revvity
Classification: Likely pathogenic. Last evaluated: 2023-04-06. Review status: criteria provided, single submitter. Criteria: ACMG Guidelines, 2015. Collection method: clinical testing. Allele origin: germline.

Blueprint Genetics
Classification: Likely pathogenic for SPTAN1-related disorders. Last evaluated: 2022-06-12. Review status: criteria provided, single submitter. Criteria: ACMG Guidelines, 2015. Collection method: clinical testing. Allele origin: germline. Affected: yes. Observed: 1 variant allele.

Genetics Laboratory, UDIAT-Centre Diagnòstic, Hospital Universitari Parc Tauli
Classification: Pathogenic. Last evaluated: 2021-04-26. Review status: criteria provided, single submitter. Criteria: Parc Tauli Hospital Assertion Criteria 2021. Collection method: clinical testing. Allele origin: de novo. Inheritance: Autosomal dominant inheritance. Affected: yes. Observed: 1 heterozygote.
Comment: PP5_strong;PM1_moderate;PM2_supporting;PM6_moderate;PP3_supporting;BP3_supporting

Institute of Human Genetics, University of Leipzig Medical Center
Classification: Likely pathogenic for Developmental and epileptic encephalopathy, 5. Last evaluated: 2017-09-01. Review status: criteria provided, single submitter. Criteria: ACMG Guidelines, 2015. Collection method: research. Allele origin: de novo.

Neurogenetics Laboratory - MEYER, AOU Meyer
Classification: Likely pathogenic for Focal epilepsy. Last evaluated: 2016-11-16. Review status: criteria provided, single submitter. Criteria: ACMG Guidelines, 2015. Collection method: clinical testing. Allele origin: de novo. Affected: yes. Observed: 1 heterozygote.

OMIM
Classification: Pathogenic for DEVELOPMENTAL DELAY WITH EPILEPSY. Last evaluated: 2023-10-18. Review status: no assertion criteria provided. Collection method: literature only. Allele origin: germline. Not counted in ClinVar's aggregate classification.

Developmental and Behavioral Pediatrics, First Affiliated Hospital of Jilin University
Classification: Pathogenic for Developmental and epileptic encephalopathy, 5. Review status: no assertion criteria provided. Collection method: provider interpretation. Allele origin: de novo. Inheritance: Autosomal dominant inheritance. Affected: yes. Not counted in ClinVar's aggregate classification.

Literature cited by the submitters: PubMed 34590414 (cited by Women's Health and Genetics/Laboratory Corporation of America, LabCorp and Labcorp Genetics (formerly Invitae), Labcorp); PubMed 27864847 (cited by Labcorp Genetics (formerly Invitae), Labcorp); PubMed 29050398 (cited by Institute of Human Genetics, University of Leipzig Medical Center and OMIM).

NM_001130438.3(SPTAN1):c.6899ACCAGCTGG[1] (p.2300DQL[1])

Gene: SPTAN1 (spectrin alpha, non-erythrocytic 1; plus strand). Cytogenetic location: 9q34.11.
Variant type: Microsatellite.
Coding change: c.6899ACCAGCTGG[1] on transcript NM_001130438.3 (MANE Select); one copy of the 9-base unit ACCAGCTGG starting at c.6899; the reference has two copies in a row; one copy, 9 bases deleted; also written c.6908_6916del.
Protein change: p.2300DQL[1].
Molecular consequence: inframe deletion.
Genome position (GRCh38, 1-based): chr9:128,632,272-128,632,280, ACCAGCTGG deleted; deleting any 9 consecutive bases within chr9:128,632,261-128,632,280 gives the same sequence; the position shown is the placement nearest the transcript's 3' end. VCF-style (leftmost placement, unchanged base first): chr9-128632260-GGGACCAGCT-G. GRCh37 (hg19) VCF-style: chr9-131394539-GGGACCAGCT-G.
Other names: c.6824ACCAGCTGG[1], p.2275DQL[1] (NM_001195532.2); c.6962ACCAGCTGG[1], p.2321DQL[1] (NM_001363759.2); c.6839ACCAGCTGG[1], p.2280DQL[1] (NM_001363765.2, NM_001375314.2); c.6986ACCAGCTGG[1], p.2329DQL[1] (NM_001375310.1); c.6899ACCAGCTGG[1], p.2300DQL[1] (NM_001375311.2); c.6935ACCAGCTGG[1], p.2312DQL[1] (NM_001375312.2); c.6881ACCAGCTGG[1], p.2294DQL[1] (NM_001375313.1); c.6998ACCAGCTGG[1], p.2333DQL[1] (NM_001375318.1); and 3 more.
Identifiers: ClinVar variation 207380 (VCV000207380.42), dbSNP rs587784440, ClinGen allele CA318788.
Genomic context (GRCh38, chr9:128,632,260, plus strand): 5'-AGGCCCTCATCCTGGACAACAAGTACACGGAGCACAGCACCGTGGGCCTCGCCCAGCAGT[GGGACCAGCT>G]GGACCAGCTGGGCATGCGCATGCAGCACAACCTGGAGCAGCAGATCCAGGCCAGGTACCC-3'